The following is an entry in ClinVar:

NM_177438.3(DICER1):c.4421C>T (p.Thr1474Ile)

Gene: DICER1 (dicer 1, ribonuclease III; minus strand). Cytogenetic location: 14q32.13.
Variant type: single nucleotide variant.
Coding change: c.4421C>T on transcript NM_177438.3 (MANE Select); coding-DNA position 4421, C replaced by T.
Protein change: p.Thr1474Ile; replaces threonine 1474 with isoleucine.
Molecular consequence: missense variant.
Genome position (GRCh38, 1-based): chr14:95,096,499, G>A on the plus strand (C>T on the coding strand, the complement: DICER1 is on the minus strand). VCF-style: chr14-95096499-G-A. GRCh37 (hg19) VCF-style: chr14-95562836-G-A.
Other names: c.4421C>T, p.Thr1474Ile (NM_001195573.1, NM_001271282.3, NM_001291628.2 and 1 more transcripts); short protein forms T1474I.
Identifiers: ClinVar variation 1042619 (VCV001042619.13), dbSNP rs1890353894, ClinGen allele CA390868650.

ClinVar aggregate classification (germline): Uncertain significance. Review status: criteria provided, multiple submitters, no conflicts (2 of 4 stars). 2 submissions from 2 submitters: Uncertain significance (2). Last evaluated 2025-08-28.

Conditions:
DICER1-related tumor predisposition. Also called: DICER1 syndrome; DICER1-related pleuropulmonary blastoma cancer predisposition syndrome. Identifiers: Orphanet 284343, MedGen C3839822, MONDO:0100216.
Hereditary cancer-predisposing syndrome. Also called: Hereditary neoplastic syndrome; Neoplastic Syndromes, Hereditary; Tumor predisposition; Hereditary Cancer Syndrome. Identifiers: Orphanet 140162, MedGen C0027672, MeSH D009386, MONDO:0015356.

Submissions (2):

Ambry Genetics
Classification: Uncertain significance for Hereditary cancer-predisposing syndrome. Last evaluated: 2025-08-28. Review status: criteria provided, single submitter. Criteria: Ambry Variant Classification Scheme 2023. Collection method: clinical testing. Allele origin: germline.
Comment: The p.T1474I variant (also known as c.4421C>T), located in coding exon 22 of the DICER1 gene, results from a C to T substitution at nucleotide position 4421. The threonine at codon 1474 is replaced by isoleucine, an amino acid with similar properties. This amino acid position is not well conserved in available vertebrate species. In addition, this alteration is predicted to be tolerated by in silico analysis. Based on the available evidence, the clinical significance of this variant remains unclear.

Labcorp Genetics (formerly Invitae), Labcorp
Classification: Uncertain significance for DICER1-related tumor predisposition. Last evaluated: 2024-02-05. Review status: criteria provided, single submitter. Criteria: Invitae Variant Classification Sherloc (09022015). Collection method: clinical testing. Allele origin: germline.
Comment: This sequence change replaces threonine, which is neutral and polar, with isoleucine, which is neutral and non-polar, at codon 1474 of the DICER1 protein (p.Thr1474Ile). This variant is not present in population databases (gnomAD no frequency). This variant has not been reported in the literature in individuals affected with DICER1-related conditions. ClinVar contains an entry for this variant (Variation ID: 1042619). An algorithm developed to predict the effect of missense changes on protein structure and function (PolyPhen-2) suggests that this variant is likely to be tolerated. In summary, the available evidence is currently insufficient to determine the role of this variant in disease. Therefore, it has been classified as a Variant of Uncertain Significance.